The following is an entry in ClinVar:

ClinVar aggregate classification (germline): Pathogenic (3 of 4 stars; one submission).

Conditions:
Breast-ovarian cancer, familial, susceptibility to, 1 (BROVCA1). Also called: BRCA1 Hereditary Breast and Ovarian Cancer; OVARIAN CANCER, SUSCEPTIBILITY TO. Identifiers: Orphanet 145, MedGen C2676676, MONDO:0011450, OMIM 604370. Disease mechanism: loss of function.

Submission:

Evidence-based Network for the Interpretation of Germline Mutant Alleles (ENIGMA)
Classification: Pathogenic for Breast-ovarian cancer, familial, susceptibility to, 1. Last evaluated: 2017-12-15. Review status: reviewed by expert panel. Criteria: ENIGMA BRCA1/2 Classification Criteria (2017-06-29). Collection method: curation. Allele origin: germline. Study: ENIGMA.
Comment: Variant allele predicted to encode a truncated non-functional protein.

NM_007294.4(BRCA1):c.1240del (p.Asp414fs)

Gene: BRCA1 (BRCA1 DNA repair associated; minus strand). Cytogenetic location: 17q21.31.
Variant type: Deletion.
Coding change: c.1240del on transcript NM_007294.4 (MANE Select); coding-DNA position 1240, one base deleted (G; older notation c.1240delG).
Protein change: p.Asp414fs; shifts the reading frame from aspartic acid 414.
Molecular consequence: frameshift variant. On other transcripts: intron variant (137).
Genome position (GRCh38, 1-based): chr17:43,094,291, C deleted on the plus strand (G on the coding strand, the reverse complement: BRCA1 is on the minus strand); the first of 2 consecutive C bases (chr17:43,094,291-43,094,292); deleting either gives the same sequence. VCF-style (leftmost placement, unchanged base first): chr17-43094290-TC-T. GRCh37 (hg19) VCF-style: chr17-41246307-TC-T.
Other names: c.1240delG (NM_007294.3); c.1117del, p.Asp373fs (NM_001407664.1, NM_001407665.1, NM_001407666.1 and 19 more transcripts); c.1114del, p.Asp372fs (NM_001407670.1, NM_001407671.1, NM_001407672.1 and 11 more transcripts); c.1240del, p.Asp414fs (NM_001407684.1, NM_001407854.1, NM_001407858.1 and 30 more transcripts); c.1099del, p.Asp367fs (NM_001407692.1, NM_001407694.1, NM_001407695.1 and 29 more transcripts); c.1096del, p.Asp366fs (NM_001407740.1, NM_001407741.1, NM_001407742.1 and 20 more transcripts); c.1027del, p.Asp343fs (NM_001407853.1, NM_001407894.1, NM_001407895.1 and 9 more transcripts); c.1237del, p.Asp413fs (NM_001407860.1, NM_001407861.1, NM_001407587.1 and 22 more transcripts); and 41 more; short protein forms D414fs, D367fs, D286fs, D343fs, D372fs, D413fs, D246fs, D303fs.
Identifiers: ClinVar variation 548189 (VCV000548189.2), dbSNP rs786204260, ClinGen allele CA658824531.